The following is an entry in ClinVar:

ClinVar aggregate classification (germline): Likely pathogenic. Review status: criteria provided, single submitter (1 of 4 stars). 2 submissions from 2 submitters: Likely pathogenic (1). 1 of the submissions does not count toward it. Last evaluated 2024-11-26.

Submissions (2):

ARUP Laboratories, Molecular Genetics and Genomics, ARUP Laboratories
Classification: Likely pathogenic. Last evaluated: 2024-11-26. Review status: criteria provided, single submitter. Criteria: ARUP Molecular Germline Variant Investigation Process 2024. Collection method: clinical testing. Allele origin: germline.
Comment: The VWF c.4645G>A; p.Glu1549Lys variant (rs267607347, ClinVar Variation ID: 100379) is reported in the literature in multiple individuals affected with von Willebrand disease (VWD) type 2M, primarily from two families where the variant was observed to cosegregate with disease (Guglielmone 2016, Woods 2011, Woods 2017). Additionally, this variant has been found in individuals with VWD type 2 with decreased platelet glycoprotein and collagen binding as well as loss of high molecular weight markers (Lapic 2022a, Lapic 2022b). This variant is absent from the Genome Aggregation Database (v2.1.1), indicating it is not a common polymorphism. Computational analyses predict that this variant is deleterious (REVEL: 0.755). Based on available information, this variant is considered to be likely pathogenic. References: Guglielmone HA et al. Response to DDAVP in Two Family-Related Patients with von Willebrand Disease Type 2M Carrying p.Glu1549Lys Mutation. J Hematol Transfus 2016; 4(4): 1055. Lapic I et al. Next-generation sequencing of von Willebrand factor and coagulation factor VIII genes: a cross-sectional study in Croatian adult patients diagnosed with von Willebrand disease. Croat Med J. 2022 Apr 30;63(2):166-175. PMID: 35505650. Lapic I et al. Reevaluation of von Willebrand disease diagnosis in a Croatian paediatric cohort combining bleeding scores, phenotypic laboratory assays and next generation sequencing: a pilot study. Biochem Med (Zagreb). 2022 Feb 15;32(1):010707. PMID: 35210927. Woods AI et al. Diagnosis and management of von Willebrand disease in a single institution of Argentina. Semin Thromb Hemost. 2011 Jul;37(5):568-75. PMID: 22102201. Woods AI et al. Diagnosis of von Willebrand disease in Argentina: a single institution experience. Ann Blood. 2017. doi: 10.21037/aob.2017.12.04.

Academic Unit of Haematology, University of Sheffield
No classification provided. Review status: no classification provided. Collection method: not provided. Allele origin: not provided. Not counted in ClinVar's aggregate classification.

NM_000552.5(VWF):c.4645G>A (p.Glu1549Lys)

Gene: VWF (von Willebrand factor; minus strand). Cytogenetic location: 12p13.31.
Variant type: single nucleotide variant.
Coding change: c.4645G>A on transcript NM_000552.5 (MANE Select); coding-DNA position 4645, G replaced by A.
Protein change: p.Glu1549Lys; replaces glutamic acid 1549 with lysine.
Molecular consequence: missense variant.
Genome position (GRCh38, 1-based): chr12:6,018,773, C>T on the plus strand (G>A on the coding strand, the complement: VWF is on the minus strand). VCF-style: chr12-6018773-C-T. GRCh37 (hg19) VCF-style: chr12-6127939-C-T.
Other names: short protein forms E1549K.
Identifiers: ClinVar variation 100379 (VCV000100379.10), dbSNP rs267607347, ClinGen allele CA228633.